The following is an entry in ClinVar:

NM_001277115.2(DNAH11):c.13377C>T (p.Val4459=)

Genes: CDCA7L (cell division cycle associated 7 like; minus strand), DNAH11 (dynein axonemal heavy chain 11; plus strand). Cytogenetic location: 7p15.3.
Variant type: single nucleotide variant.
Coding change: c.13377C>T on transcript NM_001277115.2 (MANE Select); coding-DNA position 13377, C replaced by T.
Protein change: p.Val4459=; no amino-acid change (valine 4459 retained).
Molecular consequence: synonymous variant. On other transcripts: 3 prime UTR variant (3).
Genome position (GRCh38, 1-based): chr7:21,901,080, C>T. VCF-style: chr7-21901080-C-T. GRCh37 (hg19) VCF-style: chr7-21940698-C-T.
Other names: c.*1242G>A (NM_001127370.3, NM_001127371.3, NM_018719.5).
Identifiers: ClinVar variation 525472 (VCV000525472.36), dbSNP rs199706799, ClinGen allele CA4183472.

ClinVar aggregate classification (germline): Likely benign. Review status: criteria provided, multiple submitters, no conflicts (2 of 4 stars). 4 submissions from 4 submitters: Likely benign (4). Last evaluated 2026-01-28.

Conditions:
Primary ciliary dyskinesia. Also called: Ciliary dyskinesia. Identifiers: Orphanet 244, MedGen C0008780, MONDO:0016575, HP:0012265.

Allele frequency attached by ClinVar (database versions not stated): gnomAD exomes 0.00006 and 0.00012; ExAC 0.00016; TOPMed 0.00022; gnomAD 0.00026 and 0.00028; ESP Exome Variant Server 0.00033; 1000 Genomes Project 30x 0.00047; 1000 Genomes Project 0.00060.
gnomAD v4.1: 145 of 1,613,938 alleles (0.009%); highest among the groups gnomAD compares: Middle Eastern, 0.13%; no homozygotes.

Submissions (4):

Labcorp Genetics (formerly Invitae), Labcorp
Classification: Likely benign for Primary ciliary dyskinesia. Last evaluated: 2026-01-28. Review status: criteria provided, single submitter. Criteria: Invitae Variant Classification Sherloc (09022015). Collection method: clinical testing. Allele origin: germline.

Ambry Genetics
Classification: Likely benign for Primary ciliary dyskinesia. Last evaluated: 2025-05-03. Review status: criteria provided, single submitter. Criteria: Ambry Variant Classification Scheme 2023. Collection method: clinical testing. Allele origin: germline.

Blueprint Genetics
Classification: Likely benign. Last evaluated: 2024-09-27. Review status: criteria provided, single submitter. Criteria: ACMG Guidelines, 2015. Collection method: clinical testing. Allele origin: germline.

CeGaT Center for Human Genetics Tuebingen
Classification: Likely benign. Last evaluated: 2022-12-01. Review status: criteria provided, single submitter. Criteria: CeGaT Center For Human Genetics Tuebingen Variant Classification Criteria Version 2. Collection method: clinical testing. Allele origin: germline. Affected: yes. Observed: 1 variant allele.
Comment: DNAH11: BP4, BP7